The following is an entry in ClinVar:

ClinVar aggregate classification (germline): Pathogenic/Likely pathogenic. Review status: criteria provided, multiple submitters, no conflicts (2 of 4 stars). 3 submissions from 3 submitters: Pathogenic (1); Likely pathogenic (2). Last evaluated 2025-02-07.

Conditions:
Cholestanol storage disease (CTX). Also called: CEREBRAL CHOLESTERINOSIS; Cerebrotendinous Xanthomatosis; CTX: Cerebrotendinous xanthomatosis. Identifiers: Orphanet 909, MedGen C0238052, MONDO:0008948, OMIM 213700.

Allele frequency attached by ClinVar (database versions not stated): TOPMed below 0.00001; gnomAD 0.00001; gnomAD exomes 0.00001.
gnomAD v4.1: 9 of 1,539,832 alleles (0.00058%); highest among the groups gnomAD compares: Non-Finnish European, 0.0007%; no homozygotes.

Submissions (3):

Labcorp Genetics (formerly Invitae), Labcorp
Classification: Pathogenic for Cholestanol storage disease. Last evaluated: 2025-02-07. Review status: criteria provided, single submitter. Criteria: Invitae Variant Classification Sherloc (09022015). Collection method: clinical testing. Allele origin: germline.
Comment: This sequence change creates a premature translational stop signal (p.Trp11*) in the CYP27A1 gene. It is expected to result in an absent or disrupted protein product. Loss-of-function variants in CYP27A1 are known to be pathogenic (PMID: 9392430, 10775536, 26937392). The frequency data for this variant in the population databases is considered unreliable, as metrics indicate poor data quality at this position in the gnomAD database. This variant has not been reported in the literature in individuals affected with CYP27A1-related conditions. ClinVar contains an entry for this variant (Variation ID: 1365147). For these reasons, this variant has been classified as Pathogenic.

Natera, Inc.
Classification: Likely pathogenic for Cerebrotendinous xanthomatosis. Last evaluated: 2024-12-27. Review status: criteria provided, single submitter. Criteria: Natera Variant Classification Schema (03/2026). Collection method: clinical testing. Allele origin: germline.
Comment: The c.32G>A variant in CYP27A1 is a nonsense variant predicted to introduce a stop codon at amino acid 11. This variant is expected to result in nonsense mediated decay, truncation, or a dysfunctional protein product. This variant is rare in the general population with a frequency below the threshold expected for the associated phenotype(s). Given the available evidence, this variant is classified as Likely Pathogenic.

Baylor Genetics
Classification: Likely pathogenic for Cholestanol storage disease. Last evaluated: 2023-07-04. Review status: criteria provided, single submitter. Criteria: ACMG Guidelines, 2015. Collection method: clinical testing. Allele origin: unknown.

Literature cited by the submitters: PubMed 9392430 (cited by Labcorp Genetics (formerly Invitae), Labcorp); PubMed 10775536 (cited by Labcorp Genetics (formerly Invitae), Labcorp); PubMed 26937392 (cited by Labcorp Genetics (formerly Invitae), Labcorp).

NM_000784.4(CYP27A1):c.32G>A (p.Trp11Ter)

Gene: CYP27A1 (cytochrome P450 family 27 subfamily A member 1; plus strand). Cytogenetic location: 2q35.
Variant type: single nucleotide variant.
Coding change: c.32G>A on transcript NM_000784.4 (MANE Select); coding-DNA position 32, G replaced by A.
Protein change: p.Trp11Ter; replaces tryptophan 11 with a stop codon.
Molecular consequence: nonsense.
Genome position (GRCh38, 1-based): chr2:218,782,214, G>A. VCF-style: chr2-218782214-G-A. GRCh37 (hg19) VCF-style: chr2-219646937-G-A.
Other names: c.32G>A (NM_000784.3); short protein forms W11*.
Identifiers: ClinVar variation 1365147 (VCV001365147.8), dbSNP rs1398584213, ClinGen allele CA350575413.